The following is an entry in ClinVar:

NM_001371727.1(GABRB2):c.172C>T (p.Pro58Ser)

Gene: GABRB2 (gamma-aminobutyric acid type A receptor subunit beta2; minus strand). Cytogenetic location: 5q34.
Variant type: single nucleotide variant.
Coding change: c.172C>T on transcript NM_001371727.1 (MANE Select); coding-DNA position 172, C replaced by T.
Protein change: p.Pro58Ser; replaces proline 58 with serine.
Molecular consequence: missense variant.
Genome position (GRCh38, 1-based): chr5:161,545,292, G>A on the plus strand (C>T on the coding strand, the complement: GABRB2 is on the minus strand). VCF-style: chr5-161545292-G-A. GRCh37 (hg19) VCF-style: chr5-160972298-G-A.
Other names: c.172C>T, p.Pro58Ser (NM_000813.3, NM_021911.3); short protein forms P58S.
Identifiers: ClinVar variation 959424 (VCV000959424.11), dbSNP rs769551029, ClinGen allele CA362172506.

ClinVar aggregate classification (germline): Uncertain significance. Review status: criteria provided, multiple submitters, no conflicts (2 of 4 stars). 2 submissions from 2 submitters: Uncertain significance (2). Last evaluated 2019-12-05.

Conditions:
Intellectual disability. Also called: intellectual disabilities; Intellectual developmental disorder; Intellectual functioning disability. Identifiers: MedGen C3714756, MeSH D008607, MONDO:0001071, HP:0001249.

gnomAD v4.1: 3 of 1,595,462 alleles (0.00019%); highest among the groups gnomAD compares: Non-Finnish European, 0.00026%; no homozygotes.

Submissions (2):

GeneDx
Classification: Uncertain significance. Last evaluated: 2019-12-05. Review status: criteria provided, single submitter. Criteria: GeneDx Variant Classification Process June 2021. Collection method: clinical testing. Allele origin: germline. Affected: yes.
Comment: Not observed in large population cohorts (Lek et al., 2016); In silico analysis, which includes protein predictors and evolutionary conservation, supports that this variant does not alter protein structure/function; Has not been previously published as pathogenic or benign to our knowledge

Labcorp Genetics (formerly Invitae), Labcorp
Classification: Uncertain significance for Intellectual disability. Last evaluated: 2019-09-14. Review status: criteria provided, single submitter. Criteria: Invitae Variant Classification Sherloc (09022015). Collection method: clinical testing. Allele origin: germline.
Comment: In summary, the available evidence is currently insufficient to determine the role of this variant in disease. Therefore, it has been classified as a Variant of Uncertain Significance. Algorithms developed to predict the effect of missense changes on protein structure and function (SIFT, PolyPhen-2, Align-GVGD) all suggest that this variant is likely to be tolerated, but these predictions have not been confirmed by published functional studies and their clinical significance is uncertain. This variant has not been reported in the literature in individuals with GABRB2-related conditions. This variant is not present in population databases (ExAC no frequency). This sequence change replaces proline with serine at codon 58 of the GABRB2 protein (p.Pro58Ser). The proline residue is moderately conserved and there is a moderate physicochemical difference between proline and serine.